The following is an entry in ClinVar:

ClinVar aggregate classification (germline): Conflicting classifications of pathogenicity. Review status: criteria provided, conflicting classifications (1 of 4 stars). 4 submissions from 4 submitters: Likely pathogenic (1); Uncertain significance (3). Last evaluated 2025-07-28.

Conditions:
Cardiomyopathy (CMYO). Also called: Cardiomyopathies. Identifiers: Orphanet 167848, MedGen C0878544, MONDO:0004994, HP:0001638. Inheritance: Various modes of inheritance.
Cardiovascular phenotype. Identifiers: MedGen CN230736.
Hypertrophic cardiomyopathy. Also called: HYPERTROPHIC MYOCARDIOPATHY. Identifiers: Orphanet 217569, MedGen C0007194, MeSH D002312, MONDO:0005045, HP:0001639.

Allele frequency attached by ClinVar (database versions not stated): gnomAD 0.00001; TOPMed 0.00001.
gnomAD v4.1: 4 of 1,614,074 alleles (0.00025%); highest among the groups gnomAD compares: African/African-American, 0.0027%; no homozygotes.

Submissions (4):

Ambry Genetics
Classification: Uncertain significance for Cardiovascular phenotype. Last evaluated: 2025-07-28. Review status: criteria provided, single submitter. Criteria: Ambry Variant Classification Scheme 2023. Collection method: clinical testing. Allele origin: germline.
Comment: The p.R54* variant (also known as c.160C>T), located in coding exon 1 of the MYH7 gene, results from a C to T substitution at nucleotide position 160. This changes the amino acid from an arginine to a stop codon within coding exon 1. This variant was detected in an individual with hypertrophic cardiomyopathy who also had a co-occurring missense MYH7 variant; only the missense variant showed co-segregation with disease (Nishi H et al. Circulation, 1995 Jun;91:2911-5). This variant is expected to result in premature protein truncation or nonsense-mediated mRNA decay. However, loss of function of MYH7 has not been established as a mechanism of disease. Based on the available evidence, the clinical significance of this variant remains unclear.

Labcorp Genetics (formerly Invitae), Labcorp
Classification: Uncertain significance for Hypertrophic cardiomyopathy. Last evaluated: 2024-06-22. Review status: criteria provided, single submitter. Criteria: Invitae Variant Classification Sherloc (09022015). Collection method: clinical testing. Allele origin: germline.
Comment: This sequence change creates a premature translational stop signal (p.Arg54*) in the MYH7 gene. It is expected to result in an absent or disrupted protein product. However, the current clinical and genetic evidence is not sufficient to establish whether loss-of-function variants in MYH7 cause disease. This variant is not present in population databases (gnomAD no frequency). This premature translational stop signal has been observed in individual(s) with hypertrophic cardiomyopathy (PMID: 7796500). ClinVar contains an entry for this variant (Variation ID: 955663). In summary, the available evidence is currently insufficient to determine the role of this variant in disease. Therefore, it has been classified as a Variant of Uncertain Significance.

Color Diagnostics, LLC DBA Color Health
Classification: Uncertain significance for Cardiomyopathy. Last evaluated: 2023-01-23. Review status: criteria provided, single submitter. Criteria: ACMG Guidelines, 2015. Collection method: clinical testing. Allele origin: germline.
Comment: This variant changes 1 nucleotide in exon 3 of the MYH7 gene, creating a premature translation stop signal. This variant is expected to result in an absent or non-functional protein product. This variant has been reported in an individual affected with hypertrophic cardiomyopathy; this individual also carried a different pathogenic missense variant in the MYH7 gene that could explain the observed phenotype (PMID: 7796500). This variant has not been identified in the general population by the Genome Aggregation Database (gnomAD). Clinical relevance of loss-of-function MYH7 truncation variants in autosomal dominant cardiovascular disorders is not clearly established. The available evidence is insufficient to determine the role of this variant in autosomal dominant cardiovascular disorders conclusively. Therefore, this variant is classified as a Variant of Uncertain Significance.

Laboratory for Molecular Medicine, Mass General Brigham Personalized Medicine
Classification: Likely pathogenic for Hypertrophic cardiomyopathy. Last evaluated: 2019-02-08. Review status: criteria provided, single submitter. Criteria: ACMG Guidelines, 2015. Collection method: clinical testing. Allele origin: germline. Inheritance: Autosomal recessive inheritance.
Comment: The p.Arg54X variant in MYH7 has been previously reported in one proband with hypertrophic cardiomyopathy (HCM) who was compound heterozygous for this variant and a second variant in MYH7 (Nishi 1995). This variant was absent from large population studies. This nonsense variant leads to a premature termination codon at position 54, which is predicted to lead to a truncated or absent protein. Although heterozygous loss-of-function (LOF) variants in MYH7, such as this variant, are not believed to be pathogenic for dominant forms of cardiomyopathy, there is evidence that can they lead to severe and early onset disease when present in trans with a second MYH7 variant (LMM data). In summary, although additional studies are required to fully establish its clinical significance, the p.Arg54X variant is likely pathogenic. ACMG/AMP Criteria applied: PVS1, PM2.

Literature cited by the submitters: PubMed 7796500 (cited by 4 submitters).

NM_000257.4(MYH7):c.160C>T (p.Arg54Ter)

Gene: MYH7 (myosin heavy chain 7; minus strand). Cytogenetic location: 14q11.2.
Variant type: single nucleotide variant.
Coding change: c.160C>T on transcript NM_000257.4 (MANE Select); coding-DNA position 160, C replaced by T.
Protein change: p.Arg54Ter; replaces arginine 54 with a stop codon.
Molecular consequence: nonsense.
Genome position (GRCh38, 1-based): chr14:23,433,573, G>A on the plus strand (C>T on the coding strand, the complement: MYH7 is on the minus strand). VCF-style: chr14-23433573-G-A. GRCh37 (hg19) VCF-style: chr14-23902782-G-A.
Other names: short protein forms R54*.
Identifiers: ClinVar variation 955663 (VCV000955663.11), dbSNP rs761841748, ClinGen allele CA257826887.
Genomic context (GRCh38, chr14:23,433,573, plus strand): 5'-ACATCAGCCTGACACCCACCTTGCCATACTCGGTCTCGGCAGTGACTTTGCCACCCTCTC[G>A]AGACACGATCTTGGCCTTGACAAACTCCTGTTTGTCATCAGGCACGAAGACATCCTTCTT-3'